The following is an entry in ClinVar:

NM_001374385.1(ATP8B1):c.2734G>A (p.Gly912Arg)

Genes: ATP8B1 (ATPase phospholipid transporting 8B1; minus strand), ATP8B1-AS1 (ATP8B1 antisense RNA 1; plus strand). Cytogenetic location: 18q21.31.
Variant type: single nucleotide variant.
Coding change: c.2734G>A on transcript NM_001374385.1 (MANE Select); coding-DNA position 2734, G replaced by A.
Protein change: p.Gly912Arg; replaces glycine 912 with arginine.
Molecular consequence: missense variant.
Genome position (GRCh38, 1-based): chr18:57,655,391, C>T on the plus strand (G>A on the coding strand, the complement: ATP8B1 is on the minus strand). VCF-style: chr18-57655391-C-T. GRCh37 (hg19) VCF-style: chr18-55322623-C-T.
Other names: c.2584G>A, p.Gly862Arg (NM_001374386.1); c.2734G>A, p.Gly912Arg (NM_005603.6); short protein forms G862R, G912R.
Identifiers: ClinVar variation 4846153 (VCV004846153.1).
Genomic context (GRCh38, chr18:57,655,391, plus strand): 5'-GATATCGGAACTGAGCAAAGGAATAGTCACTCGACATGACAGCTTGCATTCCTTCTTGTC[C>T]ACTTATTCCAACGCCAATGTGGGCAGCTATGGGGCAGAGGGAGAAAACACTGTGGATCAT-3'
Protein context (NP_001361314.1, residues 902-922): KTAHIGVGIS[Gly912Arg]QEGMQAVMSS

ClinVar aggregate classification (germline): Uncertain significance (1 of 4 stars; one submission).

Conditions:
Familial intrahepatic cholestasis. Identifiers: Orphanet 284385, MedGen CN296401, MONDO:0017290.

Submission:

Genomenon, Inc
Classification: Uncertain significance for Familial intrahepatic cholestasis. Last evaluated: 2026-04-14. Review status: criteria provided, single submitter. Criteria: Genomenon Sequence Variant Interpretation Standards - Updated. Collection method: curation. Allele origin: germline. Affected: yes.
Comment: ATP8B1 p.Gly912Arg (c.2734G>A) is a missense variant that changes the amino acid at residue 912 from Glycine to Arginine. This variant has been observed in at least one proband with features of ATP8B1-deficiency (PMID:26382629). It is absent or not present at a significant frequency in gnomAD. In silico models predict that this variant is possibly or probably damaging. In conclusion, we classify ATP8B1 p.Gly912Arg (c.2734G>A) as a variant of uncertain significance.

Literature cited by the submitters: PubMed 26382629.